The following is an entry in ClinVar:

NM_001384474.1(LOXHD1):c.2841C>T (p.Asp947=)

Gene: LOXHD1 (lipoxygenase homology PLAT domains 1; minus strand). Cytogenetic location: 18q21.1.
Variant type: single nucleotide variant.
Coding change: c.2841C>T on transcript NM_001384474.1 (MANE Select); coding-DNA position 2841, C replaced by T.
Protein change: p.Asp947=; no amino-acid change (aspartic acid 947 retained).
Molecular consequence: synonymous variant.
Genome position (GRCh38, 1-based): chr18:46,560,303, G>A on the plus strand (C>T on the coding strand, the complement: LOXHD1 is on the minus strand). VCF-style: chr18-46560303-G-A. GRCh37 (hg19) VCF-style: chr18-44140266-G-A.
Other names: c.2841C>T, p.Asp947= (NM_144612.7).
Identifiers: ClinVar variation 262518 (VCV000262518.17), dbSNP rs761010290, ClinGen allele CA8952610.

ClinVar aggregate classification (germline): Likely benign. Review status: criteria provided, multiple submitters, no conflicts (2 of 4 stars). 5 submissions from 5 submitters: Likely benign (4). 1 of the submissions does not count toward it. Last evaluated 2025-11-13.

Conditions:
Autosomal recessive nonsyndromic hearing loss 77. Identifiers: Orphanet 90636, MedGen C2746083, MONDO:0013119, OMIM 613079.

Allele frequency attached by ClinVar (database versions not stated): gnomAD 0.00003 and 0.00005; TOPMed 0.00005; gnomAD exomes 0.00009; ExAC 0.00024; 1000 Genomes Project 30x 0.00031.
gnomAD v4.1: 65 of 1,551,234 alleles (0.0042%); highest among the groups gnomAD compares: Middle Eastern, 0.2%; no homozygotes.

Submissions (5):

Labcorp Genetics (formerly Invitae), Labcorp
Classification: Likely benign. Last evaluated: 2025-11-13. Review status: criteria provided, single submitter. Criteria: Invitae Variant Classification Sherloc (09022015). Collection method: clinical testing. Allele origin: germline.

Blueprint Genetics
Classification: Likely benign. Last evaluated: 2024-05-10. Review status: criteria provided, single submitter. Criteria: ACMG Guidelines, 2015. Collection method: clinical testing. Allele origin: germline.

Laboratory for Molecular Medicine, Mass General Brigham Personalized Medicine
Classification: Likely benign. Last evaluated: 2017-08-10. Review status: criteria provided, single submitter. Criteria: LMM Criteria. Collection method: clinical testing. Allele origin: germline. Observed: 1 variant allele.
Comment: p.Asp947Asp in exon 19 of LOXHD1: This variant is not expected to have clinical significance because it does not alter an amino acid residue and is not located within the splice consensus sequence. It has been identified in 0.04% (8/22824) of South Asian chromosomes by the Genome Aggregation Database (gnomAD; dbSNP rs761010290).

PreventionGenetics, part of Exact Sciences
Classification: Likely benign. Review status: criteria provided, single submitter. Criteria: ACMG Guidelines, 2015. Collection method: clinical testing. Allele origin: germline.

Counsyl
Classification: Likely benign for Autosomal recessive nonsyndromic hearing loss 77. Last evaluated: 2018-06-05. Review status: no assertion criteria provided. Collection method: clinical testing. Allele origin: unknown. Not counted in ClinVar's aggregate classification.